The following is an entry in ClinVar:

NM_006348.5(COG5):c.1262A>G (p.His421Arg)

Gene: COG5 (component of oligomeric golgi complex 5; minus strand). Cytogenetic location: 7q22.3.
Variant type: single nucleotide variant.
Coding change: c.1262A>G on transcript NM_006348.5 (MANE Select); coding-DNA position 1262, A replaced by G.
Protein change: p.His421Arg; replaces histidine 421 with arginine.
Molecular consequence: missense variant.
Genome position (GRCh38, 1-based): chr7:107,298,193, T>C on the plus strand (A>G on the coding strand, the complement: COG5 is on the minus strand). VCF-style: chr7-107298193-T-C. GRCh37 (hg19) VCF-style: chr7-106938638-T-C.
Other names: c.1262A>G, p.His421Arg (NM_001161520.2, NM_001379511.1, NM_001379512.1 and 3 more transcripts); c.692A>G, p.His231Arg (NM_001379515.1); c.548A>G, p.His183Arg (NM_001379516.1); short protein forms H452R, H231R, H421R, H183R.
Identifiers: ClinVar variation 358461 (VCV000358461.48), dbSNP rs35393416, ClinGen allele CA4430966.

ClinVar aggregate classification (germline): Conflicting classifications of pathogenicity. Review status: criteria provided, conflicting classifications (1 of 4 stars). 6 submissions from 6 submitters: Uncertain significance (1); Benign (1); Likely benign (3). 1 of the submissions does not count toward it. Last evaluated 2026-07-01.

Conditions:
COG5-congenital disorder of glycosylation. Also called: CDG IIi; COG5-CDG; CONGENITAL DISORDER OF GLYCOSYLATION, TYPE IIi. Identifiers: Orphanet 263487, MedGen C3150876, MONDO:0013325, OMIM 613612.
COG5-related disorder. Also called: COG5-related condition.

Allele frequency attached by ClinVar (database versions not stated): gnomAD 0.00266 and 0.00281; TOPMed 0.00296; ESP Exome Variant Server 0.00315; 1000 Genomes Project 30x 0.00328; ExAC 0.00344; gnomAD exomes 0.00347; 1000 Genomes Project 0.00359.

Submissions (6):

CeGaT Center for Human Genetics Tuebingen
Classification: Likely benign. Last evaluated: 2026-07-01. Review status: criteria provided, single submitter. Criteria: CeGaT Center For Human Genetics Tuebingen Variant Classification Criteria Version 2. Collection method: clinical testing. Allele origin: germline. Affected: yes. Observed: 9 variant alleles.
Comment: COG5: BP4, BS2

Labcorp Genetics (formerly Invitae), Labcorp
Classification: Benign for COG5-congenital disorder of glycosylation. Last evaluated: 2026-01-28. Review status: criteria provided, single submitter. Criteria: Invitae Variant Classification Sherloc (09022015). Collection method: clinical testing. Allele origin: germline.

GeneDx
Classification: Likely benign. Last evaluated: 2018-07-06. Review status: criteria provided, single submitter. Criteria: GeneDx Variant Classification Process June 2021. Collection method: clinical testing. Allele origin: germline. Affected: yes.

Illumina Laboratory Services, Illumina
Classification: Uncertain significance for COG5-congenital disorder of glycosylation. Last evaluated: 2018-01-12. Review status: criteria provided, single submitter. Criteria: ICSL Variant Classification Criteria 13 December 2019. Collection method: clinical testing. Allele origin: germline.

Center for Pediatric Genomic Medicine, Children's Mercy Hospital and Clinics
Classification: Likely benign. Last evaluated: 2017-09-06. Review status: criteria provided, single submitter. Criteria: ACMG Guidelines, 2015. Collection method: clinical testing. Allele origin: germline.

PreventionGenetics, part of Exact Sciences
Classification: Likely benign for COG5-related condition. Last evaluated: 2022-05-20. Review status: no assertion criteria provided. Collection method: clinical testing. Allele origin: germline. Not counted in ClinVar's aggregate classification.
Comment: This variant is classified as likely benign based on ACMG/AMP sequence variant interpretation guidelines (Richards et al. 2015 PMID: 25741868, with internal and published modifications).